The following is an entry in ClinVar:

ClinVar aggregate classification (germline): Uncertain significance. Review status: criteria provided, multiple submitters, no conflicts (2 of 4 stars). 3 submissions from 3 submitters: Uncertain significance (3). Last evaluated 2026-03-24.

Conditions:
Charcot-Marie-Tooth disease axonal type 2O. Also called: CHARCOT-MARIE-TOOTH NEUROPATHY, AXONAL, TYPE 2O; CHARCOT-MARIE-TOOTH DISEASE, AXONAL, AUTOSOMAL DOMINANT, TYPE 2O; Charcot-Marie-Tooth Neuropathy Type 2O; Charcot-Marie-Tooth disease, axonal, type 20. Identifiers: Orphanet 284232, MedGen C3280220, MONDO:0013644, OMIM 614228.
Inborn genetic diseases. Identifiers: MedGen C0950123, MeSH D030342.

Submissions (3):

GeneDx
Classification: Uncertain significance. Last evaluated: 2026-03-24. Review status: criteria provided, single submitter. Criteria: GeneDx Variant Classification Process June 2021. Collection method: clinical testing. Allele origin: germline.
Comment: Not observed at significant frequency in large population cohorts (gnomAD); In silico analysis supports that this missense variant has a deleterious effect on protein structure/function; Has not been previously published as pathogenic or benign to our knowledge; This variant is associated with the following publications: (PMID: 26100331, 25609763, 25512093)

Ambry Genetics
Classification: Uncertain significance for Inborn genetic diseases. Last evaluated: 2025-10-24. Review status: criteria provided, single submitter. Criteria: Ambry Variant Classification Scheme 2023. Collection method: clinical testing. Allele origin: germline.
Comment: The c.6301G>A (p.G2101S) alteration is located in exon 31 (coding exon 31) of the DYNC1H1 gene. This alteration results from a G to A substitution at nucleotide position 6301, causing the glycine (G) at amino acid position 2101 to be replaced by a serine (S). This variant was not reported in population-based cohorts in the Genome Aggregation Database (gnomAD). This amino acid position is highly conserved in available vertebrate species. This missense alteration is located in a region that has a low rate of benign missense variation (Lek, 2016; Firth, 2009). This alteration is predicted to be deleterious by in silico analysis. Based on insufficient or conflicting evidence, the clinical significance of this alteration remains unclear.

Labcorp Genetics (formerly Invitae), Labcorp
Classification: Uncertain significance for Charcot-Marie-Tooth disease axonal type 2O. Last evaluated: 2025-06-03. Review status: criteria provided, single submitter. Criteria: Invitae Variant Classification Sherloc (09022015). Collection method: clinical testing. Allele origin: germline.
Comment: This sequence change replaces glycine, which is neutral and non-polar, with serine, which is neutral and polar, at codon 2101 of the DYNC1H1 protein (p.Gly2101Ser). This variant is not present in population databases (gnomAD no frequency). This variant has not been reported in the literature in individuals affected with DYNC1H1-related conditions. Invitae Evidence Modeling of protein sequence and biophysical properties (such as structural, functional, and spatial information, amino acid conservation, physicochemical variation, residue mobility, and thermodynamic stability) indicates that this missense variant is expected to disrupt DYNC1H1 protein function with a positive predictive value of 80%. In summary, the available evidence is currently insufficient to determine the role of this variant in disease. Therefore, it has been classified as a Variant of Uncertain Significance.

NM_001376.5(DYNC1H1):c.6301G>A (p.Gly2101Ser)

Gene: DYNC1H1 (dynein cytoplasmic 1 heavy chain 1; plus strand). Cytogenetic location: 14q32.31.
Variant type: single nucleotide variant.
Coding change: c.6301G>A on transcript NM_001376.5 (MANE Select); coding-DNA position 6301, G replaced by A.
Protein change: p.Gly2101Ser; replaces glycine 2101 with serine.
Molecular consequence: missense variant.
Genome position (GRCh38, 1-based): chr14:102,010,355, G>A. VCF-style: chr14-102010355-G-A. GRCh37 (hg19) VCF-style: chr14-102476692-G-A.
Other names: short protein forms G2101S.
Identifiers: ClinVar variation 4618099 (VCV004618099.3).
Genomic context (GRCh38, chr14:102,010,355, plus strand): 5'-TCTTCCCAAAGCCATTATGACTTCGGTCTTCGGGCTTTGAAGAGTGTGCTGGTGAGTGCA[G>A]GCAATGTGAAGAGAGAGAGAATCCAGAAGATAAAGAGGGAGAAAGAGGAACGAGGGGAAG-3'
Protein context (NP_001367.2, residues 2091-2111): RALKSVLVSA[Gly2101Ser]NVKRERIQKI